The following is an entry in ClinVar:

NM_002968.3(SALL1):c.469_475delinsG (p.Ser157_Ser159delinsGly)

Gene: SALL1 (spalt like transcription factor 1; minus strand). Cytogenetic location: 16q12.1.
Variant type: Indel.
Coding change: c.469_475delinsG on transcript NM_002968.3 (MANE Select); coding-DNA positions 469 to 475, AGCAGCA replaced by G.
Protein change: p.Ser157_Ser159delinsGly.
Molecular consequence: inframe indel.
Genome position (GRCh38, 1-based): chr16:51,141,747-51,141,753, TGCTGCT replaced by C on the plus strand (AGCAGCA replaced by G on the coding strand, the reverse complement: SALL1 is on the minus strand). VCF-style: chr16-51141747-TGCTGCT-C. GRCh37 (hg19) VCF-style: chr16-51175658-TGCTGCT-C.
Other names: c.178_184delinsG, p.Ser60_Ser62delinsGly (NM_001127892.2).
Identifiers: ClinVar variation 1704023 (VCV001704023.3), dbSNP rs2506497078, ClinGen allele CA2580091584.

ClinVar aggregate classification (germline): Uncertain significance (1 of 4 stars; one submission).

Submission:

GeneDx
Classification: Uncertain significance. Last evaluated: 2024-03-04. Review status: criteria provided, single submitter. Criteria: GeneDx Variant Classification Process June 2021. Collection method: clinical testing. Allele origin: germline. Affected: yes.
Comment: In-frame deletion of 3 amino acids and insertion of 1 amino acid in a repetitive region with no known function; Has not been previously published as pathogenic or benign to our knowledge